The following is an entry in ClinVar:

NM_001278512.2(AP3B2):c.794C>G (p.Ala265Gly)

Genes: AP3B2 (adaptor related protein complex 3 subunit beta 2; minus strand), CPEB1-AS1 (CPEB1 antisense RNA 1; plus strand). Cytogenetic location: 15q25.2.
Variant type: single nucleotide variant.
Coding change: c.794C>G on transcript NM_001278512.2 (MANE Select); coding-DNA position 794, C replaced by G.
Protein change: p.Ala265Gly; replaces alanine 265 with glycine.
Molecular consequence: missense variant.
Genome position (GRCh38, 1-based): chr15:82,680,733, G>C on the plus strand (C>G on the coding strand, the complement: AP3B2 is on the minus strand). VCF-style: chr15-82680733-G-C. GRCh37 (hg19) VCF-style: chr15-83349485-G-C.
Other names: c.698C>G, p.Ala233Gly (NM_001278511.2); c.794C>G, p.Ala265Gly (NM_004644.5); short protein forms A233G, A265G.
Identifiers: ClinVar variation 1442074 (VCV001442074.3), dbSNP rs1228322034, ClinGen allele CA393295514.
Genomic context (GRCh38, chr15:82,680,733, plus strand): 5'-GTCTCCTCAGACCCCGCGCCCTTGGCCTCGTCCTCCTCTGAGCCGTAGAAGGCTTTTTCC[G>C]CGTTCTCCTCTAGTAGGGATTCCTGGACGGGGAGACCGACGGGTCTGTGGGCGCCTCCCC-3'
Protein context (NP_001265441.1, residues 255-275): TQNESLLEEN[Ala265Gly]EKAFYGSEED

ClinVar aggregate classification (germline): Uncertain significance (1 of 4 stars; one submission).

Allele frequency attached by ClinVar (database versions not stated): gnomAD 0.00001; gnomAD exomes 0.00001; TOPMed 0.00002.
gnomAD v4.1: 20 of 1,567,378 alleles (0.0013%); highest among the groups gnomAD compares: Non-Finnish European, 0.0015%; no homozygotes.

Submission:

Labcorp Genetics (formerly Invitae), Labcorp
Classification: Uncertain significance. Last evaluated: 2021-09-03. Review status: criteria provided, single submitter. Criteria: Invitae Variant Classification Sherloc (09022015). Collection method: clinical testing. Allele origin: germline.
Comment: This sequence change replaces alanine with glycine at codon 265 of the AP3B2 protein (p.Ala265Gly). The alanine residue is weakly conserved and there is a small physicochemical difference between alanine and glycine. This variant is not present in population databases (ExAC no frequency). This variant has not been reported in the literature in individuals affected with AP3B2-related conditions. Algorithms developed to predict the effect of missense changes on protein structure and function (SIFT, PolyPhen-2, Align-GVGD) all suggest that this variant is likely to be tolerated. In summary, the available evidence is currently insufficient to determine the role of this variant in disease. Therefore, it has been classified as a Variant of Uncertain Significance.